The following is an entry in ClinVar:

NM_020533.3(MCOLN1):c.1453_1463dup (p.Ser488fs)

Gene: MCOLN1 (mucolipin TRP cation channel 1; plus strand). Cytogenetic location: 19p13.2.
Variant type: Duplication.
Coding change: c.1453_1463dup on transcript NM_020533.3 (MANE Select); coding-DNA positions 1453 to 1463, 11 bases duplicated (GGCCGCAGCAG).
Protein change: p.Ser488fs; shifts the reading frame from serine 488.
Molecular consequence: frameshift variant.
Genome position (GRCh38, 1-based): chr19:7,530,379-7,530,389, GGCCGCAGCAG duplicated; duplicating any 11 consecutive bases within chr19:7,530,371-7,530,389 gives the same sequence; the c. name uses the placement nearest the transcript's 3' end. VCF-style (leftmost placement, unchanged base first): chr19-7530370-G-GCGCAGCAGGGC. GRCh37 (hg19) VCF-style: chr19-7595256-G-GCGCAGCAGGGC.
Other names: c.1453_1463dupGGCCGCAGCAG (NM_020533.2); short protein forms S488fs.
Identifiers: ClinVar variation 208029 (VCV000208029.14), dbSNP rs797044823, ClinGen allele CA347370.

ClinVar aggregate classification (germline): Pathogenic/Likely pathogenic. Review status: criteria provided, multiple submitters, no conflicts (2 of 4 stars). 5 submissions from 5 submitters: Pathogenic (2); Likely pathogenic (2). 1 of the submissions does not count toward it. Last evaluated 2025-09-28.

Conditions:
Mucolipidosis type IV (ML4). Also called: ML IV. Identifiers: Orphanet 578, MedGen C0238286, MONDO:0009653, OMIM 252650.
Lisch epithelial corneal dystrophy (LECD). Also called: BAND-SHAPED AND WHORLED MICROCYSTIC CORNEAL EPITHELIAL DYSTROPHY. Identifiers: Orphanet 98955, MedGen C2749050, MONDO:0010425, OMIM 620763.

Submissions (5):

Natera, Inc.
Classification: Likely pathogenic for Mucolipidosis type IV. Last evaluated: 2025-09-28. Review status: criteria provided, single submitter. Criteria: Natera Variant Classification Schema (03/2026). Collection method: clinical testing. Allele origin: germline.
Comment: The c.1453_1463dupGGCCGCAGCAG variant in MCOLN1 is a frameshift variant predicted to shift the reading frame beginning at codon 488 and leads to a stop codon 96 codons downstream. This variant is expected to result in nonsense mediated decay, truncation, or a dysfunctional protein product. This variant is rare in the general population with a frequency below the threshold expected for the associated phenotype(s). This variant has been observed in one or more individuals affected with the associated recessive disease, as either homozygous or compound heterozygous with a second variant (PMID: 11317355). Given the available evidence, this variant is classified as Likely Pathogenic.

Fulgent Genetics
Classification: Likely pathogenic for Mucolipidosis type IV; Lisch epithelial corneal dystrophy. Last evaluated: 2024-05-23. Review status: criteria provided, single submitter. Criteria: ACMG Guidelines, 2015. Collection method: clinical testing. Allele origin: germline.

Labcorp Genetics (formerly Invitae), Labcorp
Classification: Pathogenic for Mucolipidosis type IV. Last evaluated: 2024-01-11. Review status: criteria provided, single submitter. Criteria: Invitae Variant Classification Sherloc (09022015). Collection method: clinical testing. Allele origin: germline.
Comment: This sequence change results in a frameshift in the MCOLN1 gene (p.Ser488Argfs*96). While this is not anticipated to result in nonsense mediated decay, it is expected to disrupt the last 93 amino acid(s) of the MCOLN1 protein and extend the protein by 2 additional amino acid residues. This variant is not present in population databases (gnomAD no frequency). This frameshift has been observed in individual(s) with MCOLN1-related conditions (PMID: 11317355, 12182165). In at least one individual the data is consistent with being in trans (on the opposite chromosome) from a pathogenic variant. ClinVar contains an entry for this variant (Variation ID: 208029). This variant disrupts a region of the MCOLN1 protein in which other variant(s) (p.Ala539Profs*41) have been determined to be pathogenic (PMID: 18326692). This suggests that this is a clinically significant region of the protein, and that variants that disrupt it are likely to be disease-causing. For these reasons, this variant has been classified as Pathogenic.

Women's Health and Genetics/Laboratory Corporation of America, LabCorp
Classification: Pathogenic for Mucolipidosis type IV. Last evaluated: 2016-09-22. Review status: criteria provided, single submitter. Criteria: LabCorp Variant Classification Summary - May 2015. Collection method: clinical testing. Allele origin: germline.
Comment: Variant summary: The MCOLN1 c.1453_1463dup11 (p.Ser488Argfs) variant was classified as pathogenic. It is a frameshift mutation predicted to alter the 580 amino acid long MCOLN1 protein starting at position 488 and resulting in a STOP codon 96 amino acids downstream. The variant likely results in a loss of protein function due to nonsense mediated decay or due to production of an abnormal protein. Mutation taster predicts the variant to be disease causing. The variant is absent from the general population, while it was reported in Mucolipidosis type IV patients indicating pathogenicity. Databases list the variant with a classification of pathogenic. Considering all evidence, the variant was classified as pathogenic.

GeneReviews
No classification provided. Condition: Mucolipidosis type IV. Review status: no classification provided. Collection method: literature only. Allele origin: germline. Affected: yes. Not counted in ClinVar's aggregate classification.

Literature cited by the submitters: PubMed 11317355 (cited by 4 submitters); PubMed 12182165 (cited by 3 submitters); PubMed 18326692 (cited by Labcorp Genetics (formerly Invitae), Labcorp); NCBI Bookshelf NBK1214 (cited by GeneReviews).